The following is an entry in ClinVar:

NM_000070.3(CAPN3):c.358G>A (p.Asp120Asn)

Gene: CAPN3 (calpain 3; plus strand). Cytogenetic location: 15q15.1.
Variant type: single nucleotide variant.
Coding change: c.358G>A on transcript NM_000070.3 (MANE Select); coding-DNA position 358, G replaced by A.
Protein change: p.Asp120Asn; replaces aspartic acid 120 with asparagine.
Molecular consequence: missense variant.
Genome position (GRCh38, 1-based): chr15:42,384,531, G>A. VCF-style: chr15-42384531-G-A. GRCh37 (hg19) VCF-style: chr15-42676729-G-A.
Other names: c.358G>A, p.Asp120Asn (NM_024344.2, NM_173087.2); short protein forms D120N.
Identifiers: ClinVar variation 3242017 (VCV003242017.4), dbSNP rs765935351.

ClinVar aggregate classification (germline): Conflicting classifications of pathogenicity. Review status: criteria provided, conflicting classifications (1 of 4 stars). 4 submissions from 4 submitters: Likely pathogenic (2); Uncertain significance (2). Last evaluated 2026-08-26.

Conditions:
Autosomal recessive limb-girdle muscular dystrophy. Identifiers: Orphanet 102015, MedGen C2931907, MONDO:0015152.
Autosomal recessive limb-girdle muscular dystrophy type 2A (LGMDR1). Also called: Muscular dystrophy, limb-girdle, type 2A, Amish; LEYDEN-MOEBIUS MUSCULAR DYSTROPHY; MUSCULAR DYSTROPHY, PELVOFEMORAL; Limb-girdle muscular dystrophy, type 2A; Calpainopathy. Identifiers: Orphanet 267, MedGen C1869123, MONDO:0009675, OMIM 253600. Disease mechanism: loss of function.
CAPN3-related disorder. Also called: CAPN3-related disorders; CAPN3-related condition. Identifiers: MedGen CN239245.

Allele frequency attached by ClinVar (database versions not stated): gnomAD exomes below 0.00001; ExAC 0.00001; gnomAD 0.00001; TOPMed 0.00001.
gnomAD v4.1: 5 of 1,613,732 alleles (0.00031%); highest among the groups gnomAD compares: South Asian, 0.0033%; no homozygotes.

Submissions (4):

Myriad Genetics, Inc.
Classification: Uncertain significance for Autosomal recessive limb-girdle muscular dystrophy type 2A. Last evaluated: 2026-08-26. Review status: criteria provided, single submitter. Criteria: Myriad Autosomal Dominant, Autosomal Recessive and X-Linked Classification Criteria (2023). Collection method: clinical testing. Allele origin: unknown.
Comment: NM_000070.2(CAPN3):c.358G>A(D120N) is a missense variant classified as a variant of uncertain significance in the context of calpainopathy. D120N has been observed in cases with relevant disease (PMID: 15689361). Relevant functional assessments of this variant are not available in the literature. D120N has been observed in referenced population frequency databases. In summary, there is insufficient evidence to classify NM_000070.2(CAPN3):c.358G>A(D120N) as pathogenic or benign. Please note: this variant was assessed in the context of healthy population screening.

Blueprint Genetics
Classification: Likely pathogenic for CAPN3-related disorders. Last evaluated: 2024-10-24. Review status: criteria provided, single submitter. Criteria: ACMG Guidelines, 2015. Collection method: clinical testing. Allele origin: germline. Affected: yes. Observed: 5 variant alleles.

Women's Health and Genetics/Laboratory Corporation of America, LabCorp
Classification: Likely pathogenic for Autosomal recessive limb-girdle muscular dystrophy. Last evaluated: 2024-10-14. Review status: criteria provided, single submitter. Criteria: LabCorp Variant Classification Summary - May 2015. Collection method: clinical testing. Allele origin: germline.
Comment: Variant summary: CAPN3 c.358G>A (p.Asp120Asn) results in a conservative amino acid change located in the Peptidase C2, calpain, catalytic domain (IPR001300) of the encoded protein sequence. Four of five in-silico tools predict a damaging effect of the variant on protein function. The variant allele was found at a frequency of 8e-06 in 251412 control chromosomes. c.358G>A has been reported in the literature in multiple homozygous individuals affected with Limb-Girdle Muscular Dystrophy, Autosomal Recessive, Type 2A (e.g. Saenz_2005). These data indicate that the variant is likely to be associated with disease. To our knowledge, no experimental evidence demonstrating an impact on protein function has been reported. The following publication has been ascertained in the context of this evaluation (PMID: 15689361). ClinVar contains an entry for this variant (Variation ID: 3242017). Based on the evidence outlined above, the variant was classified as likely pathogenic.

Neuberg Centre For Genomic Medicine, NCGM
Classification: Uncertain significance for Autosomal recessive limb-girdle muscular dystrophy type 2A. Review status: criteria provided, single submitter. Criteria: ACMG Guidelines, 2015. Collection method: clinical testing. Allele origin: germline. Inheritance: Autosomal recessive inheritance. Affected: yes.
Comment: The observed missense c.358G>A(p.Asp120Asn) variant in CAPN3 gene has not been reported previously as a pathogenic variant nor as a benign variant, to our knowledge. This variant is reported with the allele frequency of 0.0008% in the gnomAD Exomes. The amino acid Asp at position 120 is changed to a Asn changing protein sequence and it might alter its composition and physico-chemical properties. The amino acid change p.Asp120Asn in CAPN3 is predicted as conserved by GERP++ and PhyloP across 100 vertebrates. The variant is predicted as damaging by SIFT. For these reasons, this variant has been classified as Uncertain Significance. In the absence of another reportable variant, the molecular diagnosis is not confirmed.

Literature cited by the submitters: PubMed 15689361 (cited by Myriad Genetics, Inc. and Women's Health and Genetics/Laboratory Corporation of America, LabCorp); PubMed 32668095 (cited by Women's Health and Genetics/Laboratory Corporation of America, LabCorp).